The following is an entry in ClinVar:

NM_001458.5(FLNC):c.1166dup (p.Asn390fs)

Gene: FLNC (filamin C; plus strand). Cytogenetic location: 7q32.1.
Variant type: Duplication.
Coding change: c.1166dup on transcript NM_001458.5 (MANE Select); coding-DNA position 1166, one base duplicated (G; older notation c.1166dupG).
Protein change: p.Asn390fs; shifts the reading frame from asparagine 390.
Molecular consequence: frameshift variant.
Genome position (GRCh38, 1-based): chr7:128,838,385, G duplicated; the last of 3 consecutive G bases (chr7:128,838,383-128,838,385); duplicating any one gives the same sequence. VCF-style (leftmost placement, unchanged base first): chr7-128838382-T-TG. GRCh37 (hg19) VCF-style: chr7-128478436-T-TG.
Other names: c.1166dup, p.Asn390fs (NM_001127487.2); short protein forms N390fs.
Identifiers: ClinVar variation 2098290 (VCV002098290.4), dbSNP rs2536621175, ClinGen allele CA2580076598.

ClinVar aggregate classification (germline): Pathogenic (1 of 4 stars; one submission).

Conditions:
Myofibrillar myopathy 5. Also called: Filaminopathy (type); FILAMINOPATHY, AUTOSOMAL DOMINANT. Identifiers: Orphanet 171445, MedGen C1836050, MONDO:0012289, OMIM 609524.
Distal myopathy with posterior leg and anterior hand involvement. Also called: WILLIAMS DISTAL MYOPATHY. Identifiers: Orphanet 63273, MedGen C3279722, MONDO:0013550, OMIM 614065.
Hypertrophic cardiomyopathy 26. Also called: Cardiomyopathy, familial hypertrophic, 26. Identifiers: Orphanet 75249, MedGen C4310749, MONDO:0014883, OMIM 617047.

Submission:

Labcorp Genetics (formerly Invitae), Labcorp
Classification: Pathogenic for Distal myopathy with posterior leg and anterior hand involvement; Myofibrillar myopathy 5; Hypertrophic cardiomyopathy 26. Last evaluated: 2022-02-18. Review status: criteria provided, single submitter. Criteria: Invitae Variant Classification Sherloc (09022015). Collection method: clinical testing. Allele origin: germline.
Comment: For these reasons, this variant has been classified as Pathogenic. This variant has not been reported in the literature in individuals affected with FLNC-related conditions. This variant is not present in population databases (gnomAD no frequency). This sequence change creates a premature translational stop signal (p.Asn390Glnfs*10) in the FLNC gene. It is expected to result in an absent or disrupted protein product. Loss-of-function variants in FLNC are known to be pathogenic (PMID: 27908349).

Literature cited by the submitters: PubMed 27908349.